The following is an entry in ClinVar:

ClinVar aggregate classification (germline): Uncertain significance (1 of 4 stars; one submission).

Allele frequency attached by ClinVar (database versions not stated): gnomAD exomes below 0.00001.
gnomAD v4.1: 1 of 1,614,266 alleles (0.000062%); highest among the groups gnomAD compares: Non-Finnish European, 0.000085%; no homozygotes.

Submission:

Labcorp Genetics (formerly Invitae), Labcorp
Classification: Uncertain significance. Last evaluated: 2022-04-15. Review status: criteria provided, single submitter. Criteria: Invitae Variant Classification Sherloc (09022015). Collection method: clinical testing. Allele origin: germline.
Comment: This variant has not been reported in the literature in individuals affected with ADCY10-related conditions. This sequence change replaces tyrosine, which is neutral and polar, with aspartic acid, which is acidic and polar, at codon 1267 of the ADCY10 protein (p.Tyr1267Asp). This variant is not present in population databases (gnomAD no frequency). Algorithms developed to predict the effect of missense changes on protein structure and function output the following: SIFT: "Deleterious"; PolyPhen-2: "Possibly Damaging"; Align-GVGD: "Class C0". The aspartic acid amino acid residue is found in multiple mammalian species, which suggests that this missense change does not adversely affect protein function. In summary, the available evidence is currently insufficient to determine the role of this variant in disease. Therefore, it has been classified as a Variant of Uncertain Significance.

NM_018417.6(ADCY10):c.3799T>G (p.Tyr1267Asp)

Gene: ADCY10 (adenylate cyclase 10; minus strand). Cytogenetic location: 1q24.2.
Variant type: single nucleotide variant.
Coding change: c.3799T>G on transcript NM_018417.6 (MANE Select); coding-DNA position 3799, T replaced by G.
Protein change: p.Tyr1267Asp; replaces tyrosine 1267 with aspartic acid.
Molecular consequence: missense variant.
Genome position (GRCh38, 1-based): chr1:167,824,807, A>C on the plus strand (T>G on the coding strand, the complement: ADCY10 is on the minus strand). VCF-style: chr1-167824807-A-C. GRCh37 (hg19) VCF-style: chr1-167794045-A-C.
Other names: c.3340T>G, p.Tyr1114Asp (NM_001167749.3); c.3523T>G, p.Tyr1175Asp (NM_001297772.2); short protein forms Y1267D, Y1114D, Y1175D.
Identifiers: ClinVar variation 1915400 (VCV001915400.5), dbSNP rs2524938250, ClinGen allele CA343099633.